The following is an entry in ClinVar:

ClinVar aggregate classification (germline): Uncertain significance (1 of 4 stars; one submission).

Conditions:
3-methylglutaconic aciduria, type VIIB (MGCA7B). Also called: 3-methylglutaconic aciduria with cataracts, neurologic involvement and neutropenia; CLPB Deficiency; 3-methylglutaconic aciduria, type VII, with cataracts, neurologic involvement and neutropenia. Identifiers: Orphanet 445038, MedGen C5676893, MONDO:0014561, OMIM 616271.

Allele frequency attached by ClinVar (database versions not stated): gnomAD exomes below 0.00001 and 0.00001; ExAC 0.00001; gnomAD 0.00001.
gnomAD v4.1: 14 of 1,585,344 alleles (0.00088%); highest among the groups gnomAD compares: African/African-American, 0.0014%; no homozygotes.

Submission:

Labcorp Genetics (formerly Invitae), Labcorp
Classification: Uncertain significance for 3-methylglutaconic aciduria, type VIIB. Last evaluated: 2022-11-22. Review status: criteria provided, single submitter. Criteria: Invitae Variant Classification Sherloc (09022015). Collection method: clinical testing. Allele origin: germline.
Comment: This sequence change replaces threonine, which is neutral and polar, with alanine, which is neutral and non-polar, at codon 281 of the CLPB protein (p.Thr281Ala). This variant is present in population databases (rs754211386, gnomAD 0.007%). This variant has not been reported in the literature in individuals affected with CLPB-related conditions. ClinVar contains an entry for this variant (Variation ID: 859943). Algorithms developed to predict the effect of missense changes on protein structure and function (SIFT, PolyPhen-2, Align-GVGD) all suggest that this variant is likely to be tolerated. In summary, the available evidence is currently insufficient to determine the role of this variant in disease. Therefore, it has been classified as a Variant of Uncertain Significance.

NM_001258392.3(CLPB):c.751A>G (p.Thr251Ala)

Gene: CLPB (ClpB family mitochondrial disaggregase; minus strand). Cytogenetic location: 11q13.4.
Variant type: single nucleotide variant.
Coding change: c.751A>G on transcript NM_001258392.3 (MANE Select); coding-DNA position 751, A replaced by G.
Protein change: p.Thr251Ala; replaces threonine 251 with alanine.
Molecular consequence: missense variant.
Genome position (GRCh38, 1-based): chr11:72,358,904, T>C on the plus strand (A>G on the coding strand, the complement: CLPB is on the minus strand). VCF-style: chr11-72358904-T-C. GRCh37 (hg19) VCF-style: chr11-72069948-T-C.
Other names: c.664A>G, p.Thr222Ala (NM_001258393.3); c.706A>G, p.Thr236Ala (NM_001258394.3); c.841A>G, p.Thr281Ala (NM_030813.6); short protein forms T222A, T281A, T236A, T251A.
Identifiers: ClinVar variation 859943 (VCV000859943.10), dbSNP rs754211386, ClinGen allele CA6171415.
Genomic context (GRCh38, chr11:72,358,904, plus strand): 5'-TCCCCCACCCCACCCCTCCTCCACCTCTGCTCTCACCTCCATCAAGCAGCTCCTTGACAG[T>C]GCGGTAGTCATCAGCAAGAACAGCATAGTGCAAGGCCGTGCAGCCCTTGAAACTGGCGCG-3'
Protein context (NP_001245321.1, residues 241-261): HYAVLADDYR[Thr251Ala]VKELLDGGAN